The following is an entry in ClinVar:

ClinVar aggregate classification (germline): Conflicting classifications of pathogenicity. Review status: criteria provided, conflicting classifications (1 of 4 stars). 6 submissions from 6 submitters: Uncertain significance (1); Likely benign (4). 1 of the submissions does not count toward it. Last evaluated 2026-01-26.

Conditions:
Inborn genetic diseases. Identifiers: MedGen C0950123, MeSH D030342.
Congenital lactic acidosis, Saguenay-Lac-Saint-Jean type (MC4DN5). Also called: MITOCHONDRIAL COMPLEX IV DEFICIENCY, NUCLEAR TYPE 5; CYTOCHROME c OXIDASE DEFICIENCY, FRENCH CANADIAN TYPE; COX DEFICIENCY, FRENCH CANADIAN TYPE. Identifiers: Orphanet 70472, MedGen C1857355, MONDO:0009069, OMIM 220111.

Allele frequency attached by ClinVar (database versions not stated): gnomAD 0.00229 and 0.00239; TOPMed 0.00255; 1000 Genomes Project 0.00319; 1000 Genomes Project 30x 0.00359; gnomAD exomes 0.00025 and 0.00058; ExAC 0.00071; ESP Exome Variant Server 0.00223.
gnomAD v4.1: 734 of 1,613,008 alleles (0.046%); highest among the groups gnomAD compares: African/African-American, 0.86%; 9 homozygotes.

Submissions (6):

Labcorp Genetics (formerly Invitae), Labcorp
Classification: Likely benign. Last evaluated: 2026-01-26. Review status: criteria provided, single submitter. Criteria: Invitae Variant Classification Sherloc (09022015). Collection method: clinical testing. Allele origin: germline.

Blueprint Genetics
Classification: Likely benign. Last evaluated: 2024-09-20. Review status: criteria provided, single submitter. Criteria: ACMG Guidelines, 2015. Collection method: clinical testing. Allele origin: germline.

CeGaT Center for Human Genetics Tuebingen
Classification: Likely benign. Last evaluated: 2022-10-01. Review status: criteria provided, single submitter. Criteria: CeGaT Center For Human Genetics Tuebingen Variant Classification Criteria Version 2. Collection method: clinical testing. Allele origin: germline. Affected: yes. Observed: 1 variant allele.
Comment: LRPPRC: BP4, BS1

Ambry Genetics
Classification: Uncertain significance for Inborn genetic diseases. Last evaluated: 2021-06-21. Review status: criteria provided, single submitter. Criteria: Ambry Variant Classification Scheme 2023. Collection method: clinical testing. Allele origin: germline.

GeneDx
Classification: Likely benign. Last evaluated: 2020-09-30. Review status: criteria provided, single submitter. Criteria: GeneDx Variant Classification Process June 2021. Collection method: clinical testing. Allele origin: germline. Affected: yes.
Comment: Has not been previously published as pathogenic or benign to our knowledge

Natera, Inc.
Classification: Likely benign for French-Canadian type Leigh syndrome. Last evaluated: 2020-01-19. Review status: no assertion criteria provided. Collection method: clinical testing. Allele origin: germline. Not counted in ClinVar's aggregate classification.

NM_133259.4(LRPPRC):c.3034C>T (p.Pro1012Ser)

Gene: LRPPRC (leucine rich pentatricopeptide repeat containing; minus strand). Cytogenetic location: 2p21.
Variant type: single nucleotide variant.
Coding change: c.3034C>T on transcript NM_133259.4 (MANE Select); coding-DNA position 3034, C replaced by T.
Protein change: p.Pro1012Ser; replaces proline 1012 with serine.
Molecular consequence: missense variant.
Genome position (GRCh38, 1-based): chr2:43,918,261, G>A on the plus strand (C>T on the coding strand, the complement: LRPPRC is on the minus strand). VCF-style: chr2-43918261-G-A. GRCh37 (hg19) VCF-style: chr2-44145400-G-A.
Other names: short protein forms P1012S.
Identifiers: ClinVar variation 419758 (VCV000419758.44), dbSNP rs113374262, ClinGen allele CA1638234.